The following is an entry in ClinVar:

NM_000179.3(MSH6):c.973C>G (p.Gln325Glu)

Gene: MSH6 (mutS homolog 6; plus strand). Cytogenetic location: 2p16.3.
Variant type: single nucleotide variant.
Coding change: c.973C>G on transcript NM_000179.3 (MANE Select); coding-DNA position 973, C replaced by G.
Protein change: p.Gln325Glu; replaces glutamine 325 with glutamic acid.
Molecular consequence: missense variant.
Genome position (GRCh38, 1-based): chr2:47,798,956, C>G. VCF-style: chr2-47798956-C-G. GRCh37 (hg19) VCF-style: chr2-48026095-C-G.
Other names: c.583C>G, p.Gln195Glu (NM_001281492.2); c.67C>G, p.Gln23Glu (NM_001281493.2, NM_001281494.2); short protein forms Q195E, Q23E, Q325E.
Identifiers: ClinVar variation 823445 (VCV000823445.18), dbSNP rs1553412397, ClinGen allele CA346740972.

ClinVar aggregate classification (germline): Uncertain significance. Review status: criteria provided, multiple submitters, no conflicts (2 of 4 stars). 6 submissions from 6 submitters: Uncertain significance (6). Last evaluated 2025-07-31.

Conditions:
Hereditary cancer-predisposing syndrome. Also called: Neoplastic Syndromes, Hereditary; Tumor predisposition; Hereditary Cancer Syndrome; Hereditary neoplastic syndrome. Identifiers: Orphanet 140162, MedGen C0027672, MeSH D009386, MONDO:0015356.
Hereditary nonpolyposis colorectal neoplasms. Identifiers: MedGen C0009405, MeSH D003123.
Lynch syndrome. Identifiers: Orphanet 144, MedGen C4552100, MONDO:0005835. Disease mechanism: loss of function.

Allele frequency attached by ClinVar (database versions not stated): gnomAD 0.00001; TOPMed 0.00001.
gnomAD v4.1: 6 of 1,614,086 alleles (0.00037%); highest among the groups gnomAD compares: Admixed American, 0.0017%; no homozygotes.

Submissions (6):

Labcorp Genetics (formerly Invitae), Labcorp
Classification: Uncertain significance for Hereditary nonpolyposis colorectal neoplasms. Last evaluated: 2025-07-31. Review status: criteria provided, single submitter. Criteria: Invitae Variant Classification Sherloc (09022015). Collection method: clinical testing. Allele origin: germline.
Comment: This sequence change replaces glutamine, which is neutral and polar, with glutamic acid, which is acidic and polar, at codon 325 of the MSH6 protein (p.Gln325Glu). This variant is not present in population databases (gnomAD no frequency). This variant has not been reported in the literature in individuals affected with MSH6-related conditions. ClinVar contains an entry for this variant (Variation ID: 823445). Invitae Evidence Modeling of protein sequence and biophysical properties (such as structural, functional, and spatial information, amino acid conservation, physicochemical variation, residue mobility, and thermodynamic stability) indicates that this missense variant is not expected to disrupt MSH6 protein function with a negative predictive value of 95%. In summary, the available evidence is currently insufficient to determine the role of this variant in disease. Therefore, it has been classified as a Variant of Uncertain Significance.

GeneDx
Classification: Uncertain significance. Last evaluated: 2025-03-11. Review status: criteria provided, single submitter. Criteria: GeneDx Variant Classification Process June 2021. Collection method: clinical testing. Allele origin: germline.
Comment: Not observed at significant frequency in large population cohorts (gnomAD); In silico analysis indicates that this missense variant does not alter protein structure/function; Has not been previously published as pathogenic or benign to our knowledge; This variant is associated with the following publications: (PMID: 21437237)

All of Us Research Program, National Institutes of Health
Classification: Uncertain significance for Lynch syndrome. Last evaluated: 2024-05-14. Review status: criteria provided, single submitter. Criteria: ACMG Guidelines, 2015. Collection method: clinical testing. Allele origin: germline. Inheritance: Autosomal dominant inheritance. Observed: 3 variant alleles, 3 heterozygotes.
Comment: This missense variant replaces glutamine with glutamic acid at codon 325 of the MSH6 protein. Computational prediction suggests that this variant may not impact protein structure and function (internally defined REVEL score threshold <= 0.5, PMID: 27666373). To our knowledge, functional studies have not been reported for this variant. This variant has not been reported in individuals affected with hereditary cancer in the literature. This variant has not been identified in the general population by the Genome Aggregation Database (gnomAD). The available evidence is insufficient to determine the role of this variant in disease conclusively. Therefore, this variant is classified as a Variant of Uncertain Significance.

This study involves interpretation of variants in research participants for the purpose of population health screening. Participant phenotype was not available at the time of variant classification. Additional details can be found in publication PMID: 35346344, PMCID: PMC8962531

Color Diagnostics, LLC DBA Color Health
Classification: Uncertain significance for Hereditary cancer-predisposing syndrome. Last evaluated: 2024-03-06. Review status: criteria provided, single submitter. Criteria: ACMG Guidelines, 2015. Collection method: clinical testing. Allele origin: germline.
Comment: This missense variant replaces glutamine with glutamic acid at codon 325 of the MSH6 protein. Computational prediction suggests that this variant may not impact protein structure and function (internally defined REVEL score threshold <= 0.5, PMID: 27666373). To our knowledge, functional studies have not been reported for this variant. This variant has not been reported in individuals affected with hereditary cancer in the literature. This variant has not been identified in the general population by the Genome Aggregation Database (gnomAD). The available evidence is insufficient to determine the role of this variant in disease conclusively. Therefore, this variant is classified as a Variant of Uncertain Significance.

Ambry Genetics
Classification: Uncertain significance for Hereditary cancer-predisposing syndrome. Last evaluated: 2024-01-08. Review status: criteria provided, single submitter. Criteria: Ambry Variant Classification Scheme 2023. Collection method: clinical testing. Allele origin: germline.
Comment: The p.Q325E variant (also known as c.973C>G), located in coding exon 4 of the MSH6 gene, results from a C to G substitution at nucleotide position 973. The glutamine at codon 325 is replaced by glutamic acid, an amino acid with highly similar properties. This amino acid position is poorly conserved in available vertebrate species. In addition, this alteration is predicted to be tolerated by in silico analysis. Since supporting evidence is limited at this time, the clinical significance of this alteration remains unclear.

Blueprint Genetics
Classification: Uncertain significance. Last evaluated: 2021-01-21. Review status: criteria provided, single submitter. Criteria: ACMG Guidelines, 2015. Collection method: clinical testing. Allele origin: germline.